The following is an entry in ClinVar:

NM_001127208.3(TET2):c.2410A>C (p.Met804Leu)

Genes: TET2 (tet methylcytosine dioxygenase 2; plus strand), TET2-AS1 (TET2 antisense RNA 1; minus strand). Cytogenetic location: 4q24.
Variant type: single nucleotide variant.
Coding change: c.2410A>C on transcript NM_001127208.3 (MANE Select); coding-DNA position 2410, A replaced by C.
Protein change: p.Met804Leu; replaces methionine 804 with leucine.
Molecular consequence: missense variant.
Genome position (GRCh38, 1-based): chr4:105,236,352, A>C. VCF-style: chr4-105236352-A-C. GRCh37 (hg19) VCF-style: chr4-106157509-A-C.
Other names: c.2410A>C, p.Met804Leu (NM_017628.4); short protein forms M804L.
Identifiers: ClinVar variation 3679014 (VCV003679014.3).
Genomic context (GRCh38, chr4:105,236,352, plus strand): 5'-TGTTTTCATGGTGAAAATCAGTATTCAAAATCAAGCGAGTTCGAGACTCATAATGTCCAA[A>C]TGGGACTGGAGGAAGTACAGAATATAAATCGTAGAAATTCCCCTTATAGTCAGACCATGA-3'
Protein context (NP_001120680.1, residues 794-814): SSEFETHNVQ[Met804Leu]GLEEVQNINR

ClinVar aggregate classification (germline): Uncertain significance. Review status: criteria provided, multiple submitters, no conflicts (2 of 4 stars). 2 submissions from 2 submitters: Uncertain significance (2). Last evaluated 2026-06-14.

gnomAD v4.1: 8 of 1,614,004 alleles (0.0005%); highest among the groups gnomAD compares: East Asian, 0.018%; no homozygotes.

Submissions (2):

Ambry Genetics
Classification: Uncertain significance. Last evaluated: 2026-06-14. Review status: criteria provided, single submitter. Criteria: Ambry Variant Classification Scheme 2023. Collection method: clinical testing. Allele origin: germline.
Comment: The p.M804L variant (also known as c.2410A>C), located in coding exon 1 of the TET2 gene, results from an A to C substitution at nucleotide position 2410. The methionine at codon 804 is replaced by leucine, an amino acid with highly similar properties. This amino acid position is conserved. In addition, this alteration is predicted to be tolerated by in silico analysis. Based on the available evidence, the clinical significance of this variant remains unclear.

Labcorp Genetics (formerly Invitae), Labcorp
Classification: Uncertain significance. Last evaluated: 2024-12-02. Review status: criteria provided, single submitter. Criteria: Invitae Variant Classification Sherloc (09022015). Collection method: clinical testing. Allele origin: germline.
Comment: This sequence change replaces methionine, which is neutral and non-polar, with leucine, which is neutral and non-polar, at codon 804 of the TET2 protein (p.Met804Leu). This variant is not present in population databases (gnomAD no frequency). This variant has not been reported in the literature in individuals affected with TET2-related conditions. An algorithm developed to predict the effect of missense changes on protein structure and function outputs the following: PolyPhen-2: "Benign". The leucine amino acid residue is found in multiple mammalian species, which suggests that this missense change does not adversely affect protein function. In summary, the available evidence is currently insufficient to determine the role of this variant in disease. Therefore, it has been classified as a Variant of Uncertain Significance.